The following is an entry in ClinVar:

ClinVar aggregate classification (germline): Uncertain significance. Review status: criteria provided, multiple submitters, no conflicts (2 of 4 stars). 2 submissions from 2 submitters: Uncertain significance (2). Last evaluated 2022-03-11.

Conditions:
Charcot-Marie-Tooth disease. Also called: Charcot-Marie-Tooth Neuropathy; Charcot-Marie-Tooth Hereditary Neuropathy. Identifiers: Orphanet 166, MedGen C0007959, MONDO:0015626.
Charcot-Marie-Tooth disease type 4. Also called: Charcot-Marie-Tooth disease, type IV; Charcot-Marie-Tooth, Type 4. Identifiers: Orphanet 64749, MedGen C4082197, MONDO:0018995.

Allele frequency attached by ClinVar (database versions not stated): gnomAD exomes below 0.00001 and 0.00002; ExAC 0.00001; gnomAD 0.00001 and 0.00002; TOPMed 0.00002.

Submissions (2):

Labcorp Genetics (formerly Invitae), Labcorp
Classification: Uncertain significance for Charcot-Marie-Tooth disease type 4. Last evaluated: 2022-03-11. Review status: criteria provided, single submitter. Criteria: Invitae Variant Classification Sherloc (09022015). Collection method: clinical testing. Allele origin: germline.
Comment: This sequence change replaces arginine, which is basic and polar, with tryptophan, which is neutral and slightly polar, at codon 490 of the PRX protein (p.Arg490Trp). This variant is present in population databases (rs760423138, gnomAD 0.0009%). This missense change has been observed in individual(s) with Charcot-Marie-Tooth disease (PMID: 32376792). ClinVar contains an entry for this variant (Variation ID: 842630). Algorithms developed to predict the effect of missense changes on protein structure and function are either unavailable or do not agree on the potential impact of this missense change (SIFT: "Deleterious"; PolyPhen-2: "Possibly Damaging"; Align-GVGD: "Class C15"). In summary, the available evidence is currently insufficient to determine the role of this variant in disease. Therefore, it has been classified as a Variant of Uncertain Significance.

Molecular Genetics Laboratory, London Health Sciences Centre
Classification: Uncertain significance for Charcot-Marie-Tooth disease. Review status: criteria provided, single submitter. Criteria: ACMG Guidelines, 2015. Collection method: clinical testing. Allele origin: germline. Affected: yes.

Literature cited by the submitters: PubMed 32376792 (cited by Labcorp Genetics (formerly Invitae), Labcorp).

NM_181882.3(PRX):c.1468C>T (p.Arg490Trp)

Gene: PRX (periaxin; minus strand). Cytogenetic location: 19q13.2.
Variant type: single nucleotide variant.
Coding change: c.1468C>T on transcript NM_181882.3 (MANE Select); coding-DNA position 1468, C replaced by T.
Protein change: p.Arg490Trp; replaces arginine 490 with tryptophan.
Molecular consequence: missense variant. On other transcripts: 3 prime UTR variant (1).
Genome position (GRCh38, 1-based): chr19:40,396,884, G>A on the plus strand (C>T on the coding strand, the complement: PRX is on the minus strand). VCF-style: chr19-40396884-G-A. GRCh37 (hg19) VCF-style: chr19-40902791-G-A.
Other names: c.*1673C>T (NM_020956.2); short protein forms R490W.
Identifiers: ClinVar variation 842630 (VCV000842630.8), dbSNP rs760423138, ClinGen allele CA9444255.